The following is an entry in ClinVar:

ClinVar aggregate classification (germline): Likely pathogenic (1 of 4 stars; one submission).

Conditions:
IFT172-related disorder. Also called: IFT172-related condition; IFT172-related disorders.

Submission:

PreventionGenetics, part of Exact Sciences
Classification: Likely pathogenic for IFT172-related condition. Last evaluated: 2026-05-25. Review status: criteria provided, single submitter. Criteria: ACMG Guidelines, 2015. Collection method: clinical testing. Allele origin: germline.
Comment: The IFT172 c.4503_4504delTA variant is predicted to result in a frameshift and premature protein termination (p.His1501Glnfs*4). To our knowledge, this variant has not been reported in individuals with IFT172-related disorders in the literature. This variant is reported in 0.00088% of alleles in individuals of European (Non-Finnish) descent in gnomAD. Frameshift variants in IFT172 are expected to be pathogenic. This variant is interpreted as likely pathogenic.

NM_015662.3(IFT172):c.4503_4504del (p.His1501fs)

Gene: IFT172 (intraflagellar transport 172; minus strand). Cytogenetic location: 2p23.3.
Variant type: Deletion.
Coding change: c.4503_4504del on transcript NM_015662.3 (MANE Select); coding-DNA positions 4503 to 4504, 2 bases deleted (TA; older notation c.4503_4504delTA).
Protein change: p.His1501fs; shifts the reading frame from histidine 1501.
Molecular consequence: frameshift variant.
Genome position (GRCh38, 1-based): chr2:27,447,847-27,447,848, TA deleted on the plus strand (TA on the coding strand, the reverse complement: IFT172 is on the minus strand); deleting any 2 consecutive bases within chr2:27,447,847-27,447,849 gives the same sequence; the c. name uses the placement nearest the transcript's 3' end. VCF-style (leftmost placement, unchanged base first): chr2-27447846-CTA-C. GRCh37 (hg19) VCF-style: chr2-27670713-CTA-C.
Other names: c.4437_4438del, p.His1479fs (NM_001410739.1); short protein forms H1501fs, H1479fs.
Identifiers: ClinVar variation 4984906 (VCV004984906.1).